The following is an entry in ClinVar:

ClinVar aggregate classification (germline): Pathogenic (1 of 4 stars; one submission).

Conditions:
Brittle cornea syndrome 2 (BCS2). Identifiers: Orphanet 90354, MedGen C3280011, MONDO:0013605, OMIM 614170.

Submission:

Victorian Clinical Genetics Services, Murdoch Childrens Research Institute
Classification: Pathogenic for Brittle cornea syndrome 2. Last evaluated: 2025-10-26. Review status: criteria provided, single submitter. Criteria: ACMG Guidelines, 2015. Collection method: clinical testing. Allele origin: germline. Affected: yes.
Comment: This variant is classified as Pathogenic. Evidence in support of pathogenic classification: Variant is predicted to cause nonsense-mediated decay (NMD) and loss of protein (premature termination codon is located at least 54 nucleotides upstream of the final exon-exon junction); Variant is absent from gnomAD (v2, v3 and v4); Other NMD-predicted variant(s) comparable to the one identified in this case have very strong previous evidence for pathogenicity (DECIPHER). Additional information: This variant is heterozygous; This gene is associated with autosomal recessive disease; This variant has no previous evidence of pathogenicity; No published segregation evidence has been identified for this variant; No published functional evidence has been identified for this variant; Loss of function is a known mechanism of disease in this gene and is associated with brittle cornea syndrome 2 (MIM#614170).

NM_018699.4(PRDM5):c.1138_1140delinsTA (p.Leu380fs)

Gene: PRDM5 (PR/SET domain 5; minus strand). Cytogenetic location: 4q27.
Variant type: Indel.
Coding change: c.1138_1140delinsTA on transcript NM_018699.4 (MANE Select); coding-DNA positions 1138 to 1140, CTT replaced by TA.
Protein change: p.Leu380fs; shifts the reading frame from leucine 380.
Molecular consequence: frameshift variant.
Genome position (GRCh38, 1-based): chr4:120,798,315-120,798,317, AAG replaced by TA on the plus strand (CTT replaced by TA on the coding strand, the reverse complement: PRDM5 is on the minus strand). VCF-style: chr4-120798315-AAG-TA. GRCh37 (hg19) VCF-style: chr4-121719470-AAG-TA.
Other names: c.1171_1173delinsTA, p.Leu391fs (NM_001379104.1); c.1045_1047delinsTA, p.Leu349fs (NM_001379106.1, NM_001300823.2, NM_001300824.2); short protein forms L349fs, L380fs, L391fs.
Identifiers: ClinVar variation 4531924 (VCV004531924.1).
Genomic context (GRCh38, chr4:120,798,315, plus strand): 5'-AATAAGTTTTACCTTCTTATGATTCTTGTAAACATTTCTGTGGGCAAATCCCTTTCCACA[AAG>TA]TTTGCATTTGTAAGGTTTGTCTTCGCTGTGTATTACTTTGTGAGCACCCACTTGATCAAG-3'